The following is an entry in ClinVar:

NM_001177676.2(GPR68):c.342C>T (p.Cys114=)

Gene: GPR68 (G protein-coupled receptor 68; minus strand). Cytogenetic location: 14q32.11.
Variant type: single nucleotide variant.
Coding change: c.342C>T on transcript NM_001177676.2 (MANE Select); coding-DNA position 342, C replaced by T.
Protein change: p.Cys114=; no amino-acid change (cysteine 114 retained).
Molecular consequence: synonymous variant.
Genome position (GRCh38, 1-based): chr14:91,234,709, G>A on the plus strand (C>T on the coding strand, the complement: GPR68 is on the minus strand). VCF-style: chr14-91234709-G-A. GRCh37 (hg19) VCF-style: chr14-91701053-G-A.
Other names: c.342C>T, p.Cys114= (NM_001348437.1, NM_003485.3).
Identifiers: ClinVar variation 3040577 (VCV003040577.2), dbSNP rs1410425181, ClinGen allele CA487828952.

ClinVar aggregate classification (germline): Likely benign (0 of 4 stars; one submission).

Conditions:
GPR68-related disorder. Also called: GPR68-related condition.

Allele frequency attached by ClinVar (database versions not stated): gnomAD exomes 0.00001.

Submission:

PreventionGenetics, part of Exact Sciences
Classification: Likely benign for GPR68-related condition. Last evaluated: 2019-09-19. Review status: no assertion criteria provided. Collection method: clinical testing. Allele origin: germline.
Comment: This variant is classified as likely benign based on ACMG/AMP sequence variant interpretation guidelines (Richards et al. 2015 PMID: 25741868, with internal and published modifications).